The following is an entry in ClinVar:

NM_006393.3(NEBL):c.2923_2980del (p.Phe975fs)

Gene: NEBL (nebulette; minus strand). Cytogenetic location: 10p12.31.
Variant type: Deletion.
Coding change: c.2923_2980del on transcript NM_006393.3 (MANE Select); coding-DNA positions 2923 to 2980, 58 bases deleted.
Protein change: p.Phe975fs; shifts the reading frame from phenylalanine 975.
Molecular consequence: frameshift variant. On other transcripts: 3 prime UTR variant (1).
Genome position (GRCh38, 1-based): chr10:20,785,812-20,785,869, 58 bases deleted. GRCh37 (hg19): chr10:21,074,741-21,074,798.
Other names: c.691_748del, p.Phe231fs (NM_213569.2); c.*14_*71del (NM_001173484.2); c.784_841del, p.Phe262fs (NM_001377322.1); c.643_700del, p.Phe215fs (NM_001377323.1); c.634_691del, p.Phe212fs (NM_001377324.1); c.625_682del, p.Phe209fs (NM_001377325.1); c.583_640del, p.Phe195fs (NM_001377326.1, NM_001377327.1, NM_001377328.1); short protein forms F215fs, F231fs, F195fs, F209fs, F262fs, F212fs, F975fs.
Identifiers: ClinVar variation 3727398 (VCV003727398.2).

ClinVar aggregate classification (germline): Uncertain significance (1 of 4 stars; one submission).

Conditions:
Primary dilated cardiomyopathy (DCM). Also called: Dilated Cardiomyopathy. Identifiers: Orphanet 217604, MedGen C0007193, MeSH D002311, MONDO:0005021, HP:0001644. Inheritance: Various modes of inheritance.

Submission:

Labcorp Genetics (formerly Invitae), Labcorp
Classification: Uncertain significance for Primary dilated cardiomyopathy. Last evaluated: 2024-12-16. Review status: criteria provided, single submitter. Criteria: Invitae Variant Classification Sherloc (09022015). Collection method: clinical testing. Allele origin: germline.
Comment: This sequence change creates a premature translational stop signal (p.Phe975Alafs*38) in the NEBL gene. While this is not anticipated to result in nonsense mediated decay, it is expected to disrupt the last 40 amino acid(s) of the NEBL protein. This variant is not present in population databases (gnomAD no frequency). This variant has not been reported in the literature in individuals affected with NEBL-related conditions. Experimental studies and prediction algorithms are not available or were not evaluated, and the functional significance of this variant is currently unknown. In summary, the available evidence is currently insufficient to determine the role of this variant in disease. Therefore, it has been classified as a Variant of Uncertain Significance.